The following is an entry in ClinVar:

NM_006009.4(TUBA1A):c.528G>C (p.Gln176His)

Gene: TUBA1A (tubulin alpha 1a; minus strand). Cytogenetic location: 12q13.12.
Variant type: single nucleotide variant.
Coding change: c.528G>C on transcript NM_006009.4 (MANE Select); coding-DNA position 528, G replaced by C.
Protein change: p.Gln176His; replaces glutamine 176 with histidine.
Molecular consequence: missense variant.
Genome position (GRCh38, 1-based): chr12:49,185,838, C>G on the plus strand (G>C on the coding strand, the complement: TUBA1A is on the minus strand). VCF-style: chr12-49185838-C-G. GRCh37 (hg19) VCF-style: chr12-49579621-C-G.
Other names: c.528G>C, p.Gln176His (NM_001270399.2); c.423G>C, p.Gln141His (NM_001270400.2); short protein forms Q141H, Q176H.
Identifiers: ClinVar variation 2498557 (VCV002498557.31), dbSNP rs2498860952, ClinGen allele CA384641950.

ClinVar aggregate classification (germline): Conflicting classifications of pathogenicity. Review status: criteria provided, conflicting classifications (1 of 4 stars). 2 submissions from 2 submitters: Likely pathogenic (1); Uncertain significance (1). Last evaluated 2023-09-04.

Submissions (2):

Labcorp Genetics (formerly Invitae), Labcorp
Classification: Uncertain significance. Last evaluated: 2023-09-04. Review status: criteria provided, single submitter. Criteria: Invitae Variant Classification Sherloc (09022015). Collection method: clinical testing. Allele origin: germline.
Comment: In summary, the available evidence is currently insufficient to determine the role of this variant in disease. Therefore, it has been classified as a Variant of Uncertain Significance. Advanced modeling of protein sequence and biophysical properties (such as structural, functional, and spatial information, amino acid conservation, physicochemical variation, residue mobility, and thermodynamic stability) performed at Invitae indicates that this missense variant is not expected to disrupt TUBA1A protein function. ClinVar contains an entry for this variant (Variation ID: 2498557). This variant has not been reported in the literature in individuals affected with TUBA1A-related conditions. This variant is not present in population databases (gnomAD no frequency). This sequence change replaces glutamine, which is neutral and polar, with histidine, which is basic and polar, at codon 176 of the TUBA1A protein (p.Gln176His).

CeGaT Center for Human Genetics Tuebingen
Classification: Likely pathogenic. Last evaluated: 2023-03-01. Review status: criteria provided, single submitter. Criteria: CeGaT Center For Human Genetics Tuebingen Variant Classification Criteria Version 2. Collection method: clinical testing. Allele origin: germline. Affected: yes. Observed: 1 variant allele.
Comment: TUBA1A: PM2, PM6, PP2, PP4